The following is an entry in ClinVar:

ClinVar aggregate classification (germline): Pathogenic (1 of 4 stars; one submission).

Conditions:
Cerebral cavernous malformation 2. Also called: Familial Cerebral Cavernous Malformation 2. Identifiers: Orphanet 221061, MedGen C1864041, MONDO:0011304, OMIM 603284.

Submission:

Clinical Genomics Laboratory, Washington University in St. Louis
Classification: Pathogenic for Cerebral cavernous malformation 2. Last evaluated: 2025-11-20. Review status: criteria provided, single submitter. Criteria: Leon-Quintero et al. (Clin Genet. 2025). Collection method: clinical testing. Allele origin: somatic. Affected: yes.
Comment: A CCM2 c.209T>G (p.Leu70*) variant was identified at an allelic fraction consistent with somatic origin. The CCM2 c.209T>G (p.Leu70*) variant, to our knowledge, has not been reported in the medical literature. It is absent from the general population (gnomAD v4.1.0), indicating it is not a common variant. This variant leads to a premature termination codon, which is predicted to lead to nonsense mediated decay. Based on available information and an internally developed protocol informed by the ACMG/AMP guidelines for variant interpretation and gene-specific practices from the ClinGen Criteria Specification Registry (Leon-Quintero FZ et al., PMID: 39434542), the CCM2 c.209T>G (p.Leu70*) variant is classified as pathogenic.

NM_031443.4(CCM2):c.209T>G (p.Leu70Ter)

Gene: CCM2 (CCM2 scaffold protein; plus strand). Cytogenetic location: 7p13.
Variant type: single nucleotide variant.
Coding change: c.209T>G on transcript NM_031443.4 (MANE Select); coding-DNA position 209, T replaced by G.
Protein change: p.Leu70Ter; replaces leucine 70 with a stop codon.
Molecular consequence: nonsense. On other transcripts: non-coding transcript variant (1).
Genome position (GRCh38, 1-based): chr7:45,063,922, T>G. VCF-style: chr7-45063922-T-G. GRCh37 (hg19) VCF-style: chr7-45103521-T-G.
Other names: c.272T>G, p.Leu91Ter (NM_001029835.2); c.35T>G, p.Leu12Ter (NM_001167934.2, NM_001363459.2); c.209T>G, p.Leu70Ter (NM_001167935.2, NM_001363458.2); short protein forms L70*, L12*, L91*.
Identifiers: ClinVar variation 4974550 (VCV004974550.1).